The following is an entry in ClinVar:

NM_181486.4(TBX5):c.1462C>T (p.Leu488Phe)

Gene: TBX5 (T-box transcription factor 5; minus strand). Cytogenetic location: 12q24.21.
Variant type: single nucleotide variant.
Coding change: c.1462C>T on transcript NM_181486.4 (MANE Select); coding-DNA position 1462, C replaced by T.
Protein change: p.Leu488Phe; replaces leucine 488 with phenylalanine.
Molecular consequence: missense variant.
Genome position (GRCh38, 1-based): chr12:114,355,627, G>A on the plus strand (C>T on the coding strand, the complement: TBX5 is on the minus strand). VCF-style: chr12-114355627-G-A. GRCh37 (hg19) VCF-style: chr12-114793432-G-A.
Other names: c.1462C>T, p.Leu488Phe (NM_000192.3); c.1312C>T, p.Leu438Phe (NM_080717.4); short protein forms L438F, L488F.
Identifiers: ClinVar variation 3804931 (VCV003804931.2).

ClinVar aggregate classification (germline): Uncertain significance. Review status: criteria provided, multiple submitters, no conflicts (2 of 4 stars). 2 submissions from 2 submitters: Uncertain significance (2). Last evaluated 2024-12-13.

Conditions:
Cardiovascular phenotype. Identifiers: MedGen CN230736.

gnomAD v4.1: 3 of 1,614,176 alleles (0.00019%); highest among the groups gnomAD compares: Non-Finnish European, 0.00017%; no homozygotes.

Submissions (2):

Ambry Genetics
Classification: Uncertain significance for Cardiovascular phenotype. Last evaluated: 2024-12-13. Review status: criteria provided, single submitter. Criteria: Ambry Variant Classification Scheme 2023. Collection method: clinical testing. Allele origin: germline.
Comment: The p.L488F variant (also known as c.1462C>T), located in coding exon 8 of the TBX5 gene, results from a C to T substitution at nucleotide position 1462. The leucine at codon 488 is replaced by phenylalanine, an amino acid with highly similar properties. This amino acid position is conserved. In addition, the in silico prediction for this alteration is inconclusive. Based on the available evidence, the clinical significance of this variant remains unclear.

Blueprint Genetics
Classification: Uncertain significance. Last evaluated: 2023-05-11. Review status: criteria provided, single submitter. Criteria: ACMG Guidelines, 2015. Collection method: clinical testing. Allele origin: germline.